The following is an entry in ClinVar:

ClinVar aggregate classification (germline): Uncertain significance (1 of 4 stars; one submission).

Conditions:
Oligospermia. Identifiers: MedGen C0028960, MeSH D009845, MONDO:0001913.
Reduced sperm motility. Also called: asthenozoospermia. Identifiers: MedGen C4082176, HP:0012207.
Abnormal sperm morphology. Also called: Teratozoospermia. Identifiers: MedGen C0403824, HP:0012864.

gnomAD v4.1: 1 of 1,194,658 alleles (0.000084%); highest among the groups gnomAD compares: South Asian, 0.0018%; no homozygotes.

Submission:

Huzhibin Lab, Nanjing Medical University
Classification: Uncertain significance for Oligozoospermia; Reduced sperm motility; Abnormal sperm morphology. Review status: criteria provided, single submitter. Criteria: ACMG Guidelines, 2015. Collection method: research. Allele origin: germline. Inheritance: X-linked recessive inheritance. Affected: yes. Observed: 1 variant allele, 1 hemizygote.
Comment: Criteria:PS4,PP3 This gene is a known causative gene for teratozoospermia located in ChrX, and male knockout mice of this gene have been shown to have a teratospermic phenotype and be infertile in males. While the variant we found here is a missense but not LoF variant. This rare homozygous variant in this gene was not found in the control population, and this variant cannot be found in the gnomad and ExAC databases, it was also predicted to be pathogenic by multiple algorithms,such as CADD(15.71), AlphaMissense(Pathogenic).

Literature cited by the submitters: PubMed 26832838.

NM_001079872.2(CUL4B):c.648G>C (p.Lys216Asn)

Gene: CUL4B (cullin 4B; minus strand). Cytogenetic location: Xq24.
Variant type: single nucleotide variant.
Coding change: c.648G>C on transcript NM_001079872.2 (MANE Select); coding-DNA position 648, G replaced by C.
Protein change: p.Lys216Asn; replaces lysine 216 with asparagine.
Molecular consequence: missense variant.
Genome position (GRCh38, 1-based): chrX:120,557,948, C>G on the plus strand (G>C on the coding strand, the complement: CUL4B is on the minus strand). VCF-style: chrX-120557948-C-G. GRCh37 (hg19) VCF-style: chrX-119691803-C-G.
Other names: c.663G>C, p.Lys221Asn (NM_001330624.2); c.114G>C, p.Lys38Asn (NM_001369145.1); c.702G>C, p.Lys234Asn (NM_003588.4); short protein forms K216N, K221N, K234N, K38N.
Identifiers: ClinVar variation 3239642 (VCV003239642.2).
Genomic context (GRCh38, chrX:120,557,948, plus strand): 5'-TGTTAATCAAATCTGGTTATGCATATTAATACATACCTGGTAGAGTTCTTCTAAATTGTA[C>G]TTAATTGAAGTACTATTCTGAATAGCTTCCACTGCTTCTTTCAGTTTTTGCCAGGTTTCA-3'
Protein context (NP_001073341.1, residues 206-226): VEAIQNSTSI[Lys216Asn]YNLEELYQAV